The following is an entry in ClinVar:

NM_020832.3(ZNF687):c.2810C>T (p.Pro937Leu)

Gene: ZNF687 (zinc finger protein 687; plus strand). Cytogenetic location: 1q21.3.
Variant type: single nucleotide variant.
Coding change: c.2810C>T on transcript NM_020832.3 (MANE Select); coding-DNA position 2810, C replaced by T.
Protein change: p.Pro937Leu; replaces proline 937 with leucine.
Molecular consequence: missense variant.
Genome position (GRCh38, 1-based): chr1:151,289,853, C>T. VCF-style: chr1-151289853-C-T. GRCh37 (hg19) VCF-style: chr1-151262329-C-T.
Other names: c.2810C>T, p.Pro937Leu (NM_001304763.2, NM_001304764.2); short protein forms P937L.
Identifiers: ClinVar variation 1518826 (VCV001518826.9), dbSNP rs148402804, ClinGen allele CA1088645.

ClinVar aggregate classification (germline): Uncertain significance. Review status: criteria provided, multiple submitters, no conflicts (2 of 4 stars). 4 submissions from 4 submitters: Uncertain significance (4). Last evaluated 2024-12-05.

Conditions:
Paget disease of bone 6 (PDB6). Identifiers: MedGen C4085250, MONDO:0014792, OMIM 616833.

Allele frequency attached by ClinVar (database versions not stated): 1000 Genomes Project 30x 0.00047; 1000 Genomes Project 0.00060.
gnomAD v4.1: 182 of 1,568,152 alleles (0.012%); highest among the groups gnomAD compares: South Asian, 0.028%; no homozygotes.

Submissions (4):

Labcorp Genetics (formerly Invitae), Labcorp
Classification: Uncertain significance. Last evaluated: 2024-12-05. Review status: criteria provided, single submitter. Criteria: Invitae Variant Classification Sherloc (09022015). Collection method: clinical testing. Allele origin: germline.
Comment: This sequence change replaces proline, which is neutral and non-polar, with leucine, which is neutral and non-polar, at codon 937 of the ZNF687 protein (p.Pro937Leu). This variant is present in population databases (rs148402804, gnomAD 0.06%). This variant has not been reported in the literature in individuals affected with ZNF687-related conditions. ClinVar contains an entry for this variant (Variation ID: 1518826). An algorithm developed to predict the effect of missense changes on protein structure and function (PolyPhen-2) suggests that this variant is likely to be tolerated. In summary, the available evidence is currently insufficient to determine the role of this variant in disease. Therefore, it has been classified as a Variant of Uncertain Significance.

Women's Health and Genetics/Laboratory Corporation of America, LabCorp
Classification: Uncertain significance. Last evaluated: 2024-09-10. Review status: criteria provided, single submitter. Criteria: LabCorp Variant Classification Summary - May 2015. Collection method: clinical testing. Allele origin: germline.
Comment: Variant summary: ZNF687 c.2810C>T (p.Pro937Leu) results in a non-conservative amino acid change in the encoded protein sequence. Three of five in-silico tools predict a benign effect of the variant on protein function. The variant allele was found at a frequency of 0.00012 in 175820 control chromosomes. This frequency is not significantly higher than estimated for a pathogenic variant in ZNF687 causing Paget Disease Of Bone 6, allowing no conclusion about variant significance. To our knowledge, no occurrence of c.2810C>T in individuals affected with Paget Disease Of Bone 6 and no experimental evidence demonstrating its impact on protein function have been reported. ClinVar contains an entry for this variant (Variation ID: 1518826). Based on the evidence outlined above, the variant was classified as uncertain significance.

Department of Pathology and Laboratory Medicine, Sinai Health System
Classification: Uncertain significance for Paget disease of bone 6. Last evaluated: 2023-03-20. Review status: criteria provided, single submitter. Criteria: ACMG Guidelines, 2015. Collection method: research. Allele origin: germline.

Breakthrough Genomics
Classification: Uncertain significance. Review status: criteria provided, single submitter. Criteria: ACMG Guidelines, 2015. Collection method: not provided. Allele origin: germline. Inheritance: Autosomal dominant inheritance. Affected: yes.